The following is an entry in ClinVar:

ClinVar aggregate classification (germline): Pathogenic/Likely pathogenic. Review status: criteria provided, multiple submitters, no conflicts (2 of 4 stars). 6 submissions from 6 submitters: Pathogenic (4); Likely pathogenic (2). Last evaluated 2025-12-21.

Conditions:
Hereditary nonpolyposis colorectal neoplasms. Identifiers: MedGen C0009405, MeSH D003123.
Hereditary cancer-predisposing syndrome. Also called: Neoplastic Syndromes, Hereditary; Tumor predisposition; Hereditary Cancer Syndrome; Hereditary neoplastic syndrome. Identifiers: Orphanet 140162, MedGen C0027672, MeSH D009386, MONDO:0015356.
Lynch syndrome 4 (LYNCH4). Also called: Colorectal cancer, hereditary nonpolyposis, type 4; Hereditary non-polyposis colorectal cancer, type 4. Identifiers: Orphanet 144, MedGen C1838333, MONDO:0013699, OMIM 614337. Disease mechanism: loss of function.
Mismatch repair cancer syndrome 4. Identifiers: MedGen C5436817, MONDO:0030843, OMIM 619101.

Submissions (6):

Labcorp Genetics (formerly Invitae), Labcorp
Classification: Pathogenic for Hereditary nonpolyposis colorectal neoplasms. Last evaluated: 2025-12-21. Review status: criteria provided, single submitter. Criteria: Invitae Variant Classification Sherloc (09022015). Collection method: clinical testing. Allele origin: germline.
Comment: This sequence change creates a premature translational stop signal (p.Ser547Argfs*14) in the PMS2 gene. It is expected to result in an absent or disrupted protein product. Loss-of-function variants in PMS2 are known to be pathogenic (PMID: 21376568, 24362816). This variant is not present in population databases (gnomAD no frequency). This variant has not been reported in the literature in individuals affected with PMS2-related conditions. ClinVar contains an entry for this variant (Variation ID: 216075). For these reasons, this variant has been classified as Pathogenic.

Ambry Genetics
Classification: Pathogenic for Hereditary cancer-predisposing syndrome. Last evaluated: 2024-09-26. Review status: criteria provided, single submitter. Criteria: Ambry Variant Classification Scheme 2023. Collection method: clinical testing. Allele origin: germline.
Comment: The c.1638_1639delTT pathogenic mutation, located in coding exon 11 of the PMS2 gene, results from a deletion of two nucleotides at nucleotide positions 1638 to 1639, causing a translational frameshift with a predicted alternate stop codon (p.S547Rfs*14). This variant is considered to be rare based on population cohorts in the Genome Aggregation Database (gnomAD). This alteration is expected to result in loss of function by premature protein truncation or nonsense-mediated mRNA decay. As such, this alteration is interpreted as a disease-causing mutation.

Baylor Genetics
Classification: Likely pathogenic for Lynch syndrome 4. Last evaluated: 2024-02-05. Review status: criteria provided, single submitter. Criteria: ACMG Guidelines, 2015. Collection method: clinical testing. Allele origin: unknown.

Myriad Genetics, Inc.
Classification: Pathogenic for Lynch syndrome 4. Last evaluated: 2023-09-20. Review status: criteria provided, single submitter. Criteria: Myriad Autosomal Dominant, Autosomal Recessive and X-Linked Classification Criteria (2023). Collection method: clinical testing. Allele origin: unknown.
Comment: This variant is considered pathogenic. This variant creates a frameshift predicted to result in premature protein truncation.

GeneDx
Classification: Pathogenic. Last evaluated: 2016-04-21. Review status: criteria provided, single submitter. Criteria: GeneDx Variant Classification (06012015). Collection method: clinical testing. Allele origin: germline. Affected: yes.
Comment: This deletion of 2 nucleotides in PMS2 is denoted c.1638_1639delTT at the cDNA level and p.Ser547ArgfsX14 (S547RfsX14) at the protein level. The normal sequence, with the bases that are deleted in braces, is CTTT[TT]CAGA. The deletion causes a frameshift which changes a Serine to an Arginine at codon 547, and creates a premature stop codon at position 14 of the new reading frame. Although this variant has not, to our knowledge, been reported in the literature, it is predicted to cause loss of normal protein function through either protein truncation or nonsense-mediated mRNA decay. We consider this variant to be pathogenic.

Juno Genomics, Hangzhou Juno Genomics, Inc
Classification: Likely pathogenic for Lynch syndrome 4; Mismatch repair cancer syndrome 4. Review status: criteria provided, single submitter. Criteria: ACMG Guidelines, 2015. Collection method: clinical testing. Allele origin: germline.
Comment: Null variant in a gene where loss of function (LOF) is a known mechanism of disease.;Absent from controls (or at extremely low frequency if recessive) in Genome Aggregation Database.

Literature cited by the submitters: PubMed 21376568 (cited by Labcorp Genetics (formerly Invitae), Labcorp); PubMed 24362816 (cited by Labcorp Genetics (formerly Invitae), Labcorp).

NM_000535.7(PMS2):c.1638_1639del (p.Ser547fs)

Gene: PMS2 (PMS1 homolog 2, mismatch repair system component; minus strand). Cytogenetic location: 7p22.1.
Variant type: Deletion.
Coding change: c.1638_1639del on transcript NM_000535.7 (MANE Select); coding-DNA positions 1638 to 1639, 2 bases deleted (TT; older notation c.1638_1639delTT).
Protein change: p.Ser547fs; shifts the reading frame from serine 547.
Molecular consequence: frameshift variant. On other transcripts: non-coding transcript variant (1).
Genome position (GRCh38, 1-based): chr7:5,987,126-5,987,127, AA deleted on the plus strand (TT on the coding strand, the reverse complement: PMS2 is on the minus strand); deleting any 2 consecutive bases within chr7:5,987,126-5,987,130 gives the same sequence; the c. name uses the placement nearest the transcript's 3' end. VCF-style (leftmost placement, unchanged base first): chr7-5987125-GAA-G. GRCh37 (hg19) VCF-style: chr7-6026756-GAA-G.
Other names: c.1638_1639del (NM_000535.5); c.1233_1234del, p.Ser412fs (NM_001322003.2, NM_001322004.2, NM_001322005.2 and 1 more transcripts); c.1482_1483del, p.Ser495fs (NM_001322006.2); c.1320_1321del, p.Ser441fs (NM_001322007.2, NM_001322008.2); c.1077_1078del, p.Ser360fs (NM_001322010.2); c.705_706del, p.Ser236fs (NM_001322011.2, NM_001322012.2); c.1065_1066del, p.Ser356fs (NM_001322013.2); c.1638_1639del, p.Ser547fs (NM_001322014.2); and 1 more; short protein forms S356fs, S360fs, S441fs, S236fs, S412fs, S444fs, S495fs, S547fs.
Identifiers: ClinVar variation 216075 (VCV000216075.19), dbSNP rs863224498, ClinGen allele CA337750.
Genomic context (GRCh38, chr7:5,987,125, plus strand): 5'-TGAGGCAAAACTCGAAATTTACATCCGGTATCTTCCTGGTTTGAATGGCAGTCCACATCT[GAA>G]AAAGAGTCGTCAGTTTTAGGCGCTTTCTCCTGAGAGTCCACATGTTCCTGCGAGCCCCTG-3'